The following is an entry in ClinVar:

NM_024422.6(DSC2):c.2003T>A (p.Leu668Gln)

Gene: DSC2 (desmocollin 2; minus strand). Cytogenetic location: 18q12.1.
Variant type: single nucleotide variant.
Coding change: c.2003T>A on transcript NM_024422.6 (MANE Select); coding-DNA position 2003, T replaced by A.
Protein change: p.Leu668Gln; replaces leucine 668 with glutamine.
Molecular consequence: missense variant.
Genome position (GRCh38, 1-based): chr18:31,071,727, A>T on the plus strand (T>A on the coding strand, the complement: DSC2 is on the minus strand). VCF-style: chr18-31071727-A-T. GRCh37 (hg19) VCF-style: chr18-28651693-A-T.
Other names: c.1574T>A, p.Leu525Gln (NM_001406506.1, NM_001406507.1); c.2003T>A, p.Leu668Gln (NM_004949.5); short protein forms L525Q, L668Q.
Identifiers: ClinVar variation 3072342 (VCV003072342.1), dbSNP rs1432852100, ClinGen allele CA402113183.

ClinVar aggregate classification (germline): Uncertain significance (1 of 4 stars; one submission).

Conditions:
Familial isolated arrhythmogenic right ventricular dysplasia. Identifiers: Orphanet 217656, MedGen C4274968, MONDO:0016342.

gnomAD v4.1: 2 of 1,614,062 alleles (0.00012%); highest among the groups gnomAD compares: African/African-American, 0.0027%; no homozygotes.

Submission:

All of Us Research Program, National Institutes of Health
Classification: Uncertain significance for Familial isolated arrhythmogenic right ventricular dysplasia. Last evaluated: 2023-07-10. Review status: criteria provided, single submitter. Criteria: ACMG Guidelines, 2015. Collection method: clinical testing. Allele origin: germline. Inheritance: Autosomal dominant inheritance. Observed: 1 variant allele, 1 heterozygote.
Comment: This missense variant replaces leucine with glutamine at codon 668 of the DSC2 protein. Computational prediction suggests that this variant may not impact protein structure and function (internally defined REVEL score threshold <= 0.5, PMID: 27666373). To our knowledge, functional studies have not been reported for this variant. This variant has not been reported in individuals affected with DSC2-related disorders in the literature. This variant has not been identified in the general population by the Genome Aggregation Database (gnomAD). The available evidence is insufficient to determine the role of this variant in disease conclusively. Therefore, this variant is classified as a Variant of Uncertain Significance.

This study involves interpretation of variants in research participants for the purpose of population health screening. Participant phenotype was not available at the time of variant classification. Additional details can be found in publication PMID: 35346344, PMCID: PMC8962531